The following is an entry in ClinVar:

NC_000002.11:g.(?_167089840)_(167089982_?)del

Gene: SCN9A (sodium voltage-gated channel alpha subunit 9; minus strand). Cytogenetic location: 2q24.3.
Variant type: Deletion.
Identifiers: ClinVar variation 1489446 (VCV001489446.6).

ClinVar aggregate classification (germline): Uncertain significance (1 of 4 stars; one submission).

Conditions:
Generalized epilepsy with febrile seizures plus, type 7 (GEFSP7). Also called: GEFS+, TYPE 7. Identifiers: Orphanet 36387, MedGen C2751778, MONDO:0013470, OMIM 613863.
Neuropathy, hereditary sensory and autonomic, type 2A (HSAN2A). Also called: ACROOSTEOLYSIS, GIACCAI TYPE; ACROOSTEOLYSIS, NEUROGENIC; HSAN IIA; MORVAN DISEASE; NEUROPATHY, CONGENITAL SENSORY; NEUROPATHY, HEREDITARY SENSORY RADICULAR, AUTOSOMAL RECESSIVE. Identifiers: Orphanet 970, MedGen C2752089, MONDO:0024309, OMIM 201300.

Submission:

Labcorp Genetics (formerly Invitae), Labcorp
Classification: Uncertain significance for Neuropathy, hereditary sensory and autonomic, type 2A; Generalized epilepsy with febrile seizures plus, type 7. Last evaluated: 2020-11-10. Review status: criteria provided, single submitter. Criteria: Invitae Variant Classification Sherloc (09022015). Collection method: clinical testing. Allele origin: germline.
Comment: In summary, the available evidence is currently insufficient to determine the role of this variant in disease. Therefore, it has been classified as a Variant of Uncertain Significance. Experimental studies and prediction algorithms are not available or were not evaluated, and the functional significance of this variant is currently unknown. This variant has not been reported in the literature in individuals with SCN9A-related conditions. This variant is a gross deletion of the genomic region encompassing exon(s) 21 of the SCN9A gene. This variant would be expected to be in-frame, preserving the integrity of the reading frame.